The following is an entry in ClinVar:

NM_017849.4(TMEM127):c.501C>G (p.Ser167=)

Gene: TMEM127 (transmembrane protein 127; minus strand). Cytogenetic location: 2q11.2.
Variant type: single nucleotide variant.
Coding change: c.501C>G on transcript NM_017849.4 (MANE Select); coding-DNA position 501, C replaced by G.
Protein change: p.Ser167=; no amino-acid change (serine 167 retained).
Molecular consequence: synonymous variant.
Genome position (GRCh38, 1-based): chr2:96,254,024, G>C on the plus strand (C>G on the coding strand, the complement: TMEM127 is on the minus strand). VCF-style: chr2-96254024-G-C. GRCh37 (hg19) VCF-style: chr2-96919762-G-C.
Other names: c.501C>G, p.Ser167= (NM_001193304.3).
Identifiers: ClinVar variation 486544 (VCV000486544.15), dbSNP rs1269059052, ClinGen allele CA427808078.

ClinVar aggregate classification (germline): Benign/Likely benign. Review status: criteria provided, multiple submitters, no conflicts (2 of 4 stars). 3 submissions from 3 submitters: Benign (1); Likely benign (2). Last evaluated 2026-07-30.

Conditions:
Hereditary cancer-predisposing syndrome. Also called: Tumor predisposition; Neoplastic Syndromes, Hereditary; Hereditary Cancer Syndrome; Hereditary neoplastic syndrome. Identifiers: Orphanet 140162, MedGen C0027672, MeSH D009386, MONDO:0015356.
Hereditary pheochromocytoma and paraganglioma. Also called: Hereditary paragangliomas and pheochromocytomas; Hereditary Paraganglioma-Pheochromocytoma Syndromes; Hereditary pheochromocytoma-paraganglioma. Identifiers: Orphanet 29072, MedGen C4274332, MONDO:0017366.

Allele frequency attached by ClinVar (database versions not stated): gnomAD exomes below 0.00001.
gnomAD v4.1: 1 of 1,614,148 alleles (0.000062%); highest among the groups gnomAD compares: Non-Finnish European, 0.000085%; no homozygotes.

Submissions (3):

Myriad Genetics, Inc.
Classification: Benign for Hereditary pheochromocytoma and paraganglioma. Last evaluated: 2026-07-30. Review status: criteria provided, single submitter. Criteria: Myriad Autosomal Dominant, Autosomal Recessive and X-Linked Classification Criteria (2023). Collection method: clinical testing. Allele origin: unknown.
Comment: This variant is considered benign. This variant is a silent/synonymous amino acid change and it is not expected to impact splicing.

Labcorp Genetics (formerly Invitae), Labcorp
Classification: Likely benign for Hereditary pheochromocytoma and paraganglioma. Last evaluated: 2025-09-30. Review status: criteria provided, single submitter. Criteria: Invitae Variant Classification Sherloc (09022015). Collection method: clinical testing. Allele origin: germline.

Ambry Genetics
Classification: Likely benign for Hereditary cancer-predisposing syndrome. Last evaluated: 2017-05-12. Review status: criteria provided, single submitter. Criteria: Ambry Variant Classification Scheme 2023. Collection method: clinical testing. Allele origin: germline.